The following is an entry in ClinVar:

NM_017636.4(TRPM4):c.1249G>T (p.Asp417Tyr)

Gene: TRPM4 (transient receptor potential cation channel subfamily M member 4; plus strand). Cytogenetic location: 19q13.33.
Variant type: single nucleotide variant.
Coding change: c.1249G>T on transcript NM_017636.4 (MANE Select); coding-DNA position 1249, G replaced by T.
Protein change: p.Asp417Tyr; replaces aspartic acid 417 with tyrosine.
Molecular consequence: missense variant. On other transcripts: 5 prime UTR variant (1), intron variant (1).
Genome position (GRCh38, 1-based): chr19:49,181,447, G>T. VCF-style: chr19-49181447-G-T. GRCh37 (hg19) VCF-style: chr19-49684704-G-T.
Other names: c.1249G>T, p.Asp417Tyr (NM_001195227.2); c.904G>T, p.Asp302Tyr (NM_001321281.2); c.-305G>T (NM_001321282.2); c.727G>T, p.Asp243Tyr (NM_001321283.2); c.202-1131G>T (NM_001321285.2); short protein forms D243Y, D302Y, D417Y.
Identifiers: ClinVar variation 5006014 (VCV005006014.2).

ClinVar aggregate classification (germline): Uncertain significance (1 of 4 stars; one submission).

Conditions:
Progressive familial heart block type IB (PFHB1B). Identifiers: Orphanet 871, MedGen C1970298, MONDO:0011474, OMIM 604559.
Erythrokeratodermia variabilis et progressiva 6. Identifiers: MedGen C5193144, MONDO:0032801, OMIM 618531.

gnomAD v4.1: 3 of 1,613,188 alleles (0.00019%); highest among the groups gnomAD compares: East Asian, 0.0067%; no homozygotes.

Submission:

Juno Genomics, Hangzhou Juno Genomics, Inc
Classification: Uncertain significance for Erythrokeratodermia variabilis et progressiva 6; Progressive familial heart block type IB. Review status: criteria provided, single submitter. Criteria: ACMG Guidelines, 2015. Collection method: clinical testing. Allele origin: germline.
Comment: Absent from controls (or at extremely low frequency if recessive) in Genome Aggregation Database.;Multiple lines of computational evidence support a deleterious effect on the gene or gene product.